The following is an entry in ClinVar:

ClinVar aggregate classification (germline): Uncertain significance. Review status: criteria provided, multiple submitters, no conflicts (2 of 4 stars). 2 submissions from 2 submitters: Uncertain significance (2). Last evaluated 2024-10-16.

Conditions:
Inborn genetic diseases. Identifiers: MedGen C0950123, MeSH D030342.

gnomAD v4.1: 2 of 1,611,372 alleles (0.00012%); highest among the groups gnomAD compares: Admixed American, 0.0033%; no homozygotes.

Submissions (2):

Ambry Genetics
Classification: Uncertain significance for Inborn genetic diseases. Last evaluated: 2024-10-16. Review status: criteria provided, single submitter. Criteria: Ambry Variant Classification Scheme 2023. Collection method: clinical testing. Allele origin: germline.

GeneDx
Classification: Uncertain significance. Last evaluated: 2024-01-29. Review status: criteria provided, single submitter. Criteria: GeneDx Variant Classification Process June 2021. Collection method: clinical testing. Allele origin: germline. Affected: yes.
Comment: In silico analysis supports that this missense variant has a deleterious effect on protein structure/function; Has not been previously published as pathogenic or benign to our knowledge

NM_004366.6(CLCN2):c.1810C>G (p.Leu604Val)

Gene: CLCN2 (chloride voltage-gated channel 2; minus strand). Cytogenetic location: 3q27.1.
Variant type: single nucleotide variant.
Coding change: c.1810C>G on transcript NM_004366.6 (MANE Select); coding-DNA position 1810, C replaced by G.
Protein change: p.Leu604Val; replaces leucine 604 with valine.
Molecular consequence: missense variant.
Genome position (GRCh38, 1-based): chr3:184,353,707, G>C on the plus strand (C>G on the coding strand, the complement: CLCN2 is on the minus strand). VCF-style: chr3-184353707-G-C. GRCh37 (hg19) VCF-style: chr3-184071495-G-C.
Other names: c.1759C>G, p.Leu587Val (NM_001171087.3); c.1678C>G, p.Leu560Val (NM_001171088.3); c.1810C>G, p.Leu604Val (NM_001171089.3); short protein forms L560V, L587V, L604V.
Identifiers: ClinVar variation 3361434 (VCV003361434.2).